The following is an entry in ClinVar:

ClinVar aggregate classification (germline): Uncertain significance. Review status: criteria provided, multiple submitters, no conflicts (2 of 4 stars). 2 submissions from 2 submitters: Uncertain significance (2). Last evaluated 2023-11-13.

Allele frequency attached by ClinVar (database versions not stated): gnomAD exomes below 0.00001 and 0.00001; gnomAD 0.00001.

Submissions (2):

Labcorp Genetics (formerly Invitae), Labcorp
Classification: Uncertain significance. Last evaluated: 2023-11-13. Review status: criteria provided, single submitter. Criteria: Invitae Variant Classification Sherloc (09022015). Collection method: clinical testing. Allele origin: germline.
Comment: This sequence change replaces valine, which is neutral and non-polar, with isoleucine, which is neutral and non-polar, at codon 15 of the TMEM126A protein (p.Val15Ile). This variant is present in population databases (no rsID available, gnomAD 0.0009%). This variant has not been reported in the literature in individuals affected with TMEM126A-related conditions. ClinVar contains an entry for this variant (Variation ID: 1438763). Algorithms developed to predict the effect of missense changes on protein structure and function output the following: SIFT: "Not Available"; PolyPhen-2: "Benign"; Align-GVGD: "Not Available". The isoleucine amino acid residue is found in multiple mammalian species, which suggests that this missense change does not adversely affect protein function. In summary, the available evidence is currently insufficient to determine the role of this variant in disease. Therefore, it has been classified as a Variant of Uncertain Significance.

Blueprint Genetics
Classification: Uncertain significance. Last evaluated: 2023-11-07. Review status: criteria provided, single submitter. Criteria: ACMG Guidelines, 2015. Collection method: clinical testing. Allele origin: germline.

NM_032273.4(TMEM126A):c.43G>A (p.Val15Ile)

Gene: TMEM126A (transmembrane protein 126A; plus strand). Cytogenetic location: 11q14.1.
Variant type: single nucleotide variant.
Coding change: c.43G>A on transcript NM_032273.4 (MANE Select); coding-DNA position 43, G replaced by A.
Protein change: p.Val15Ile; replaces valine 15 with isoleucine.
Molecular consequence: missense variant. On other transcripts: intron variant (1).
Genome position (GRCh38, 1-based): chr11:85,650,298, G>A. VCF-style: chr11-85650298-G-A. GRCh37 (hg19) VCF-style: chr11-85361342-G-A.
Other names: c.-125+2209G>A (NM_001244735.2); short protein forms V15I.
Identifiers: ClinVar variation 1438763 (VCV001438763.8), dbSNP rs1446272419, ClinGen allele CA381994866.
Genomic context (GRCh38, chr11:85,650,298, plus strand): 5'-TGTTTTTTAAGGCTCAAAATGGAAAATCATAAATCCAATAATAAGGAAAACATAACAATT[G>A]TTGATATATCCAGAAAAATTAACCAGCTTCCAGAAGCAGAAAGGTAAGATCCCTTCTTAA-3'
Protein context (NP_115649.1, residues 5-25): KSNNKENITI[Val15Ile]DISRKINQLP